The following is an entry in ClinVar:

NM_016495.6(TBC1D7):c.221A>G (p.His74Arg)

Genes: TBC1D7-LOC100130357 (TBC1D7-LOC100130357 readthrough; minus strand), TBC1D7 (TBC1 domain family member 7; minus strand). Cytogenetic location: 6p24.1.
Variant type: single nucleotide variant.
Coding change: c.221A>G on transcript NM_016495.6 (MANE Select); coding-DNA position 221, A replaced by G.
Protein change: p.His74Arg; replaces histidine 74 with arginine.
Molecular consequence: missense variant. On other transcripts: non-coding transcript variant (1).
Genome position (GRCh38, 1-based): chr6:13,321,068, T>C on the plus strand (A>G on the coding strand, the complement: TBC1D7 is on the minus strand). VCF-style: chr6-13321068-T-C. GRCh37 (hg19) VCF-style: chr6-13321300-T-C.
Other names: c.221A>G, p.His74Arg (NM_001318809.2, NM_001143964.4, NM_001143965.4 and 2 more transcripts); c.140A>G, p.His47Arg (NM_001143966.4, NM_001318806.2); short protein forms H47R, H74R.
Identifiers: ClinVar variation 3353272 (VCV003353272.1).

ClinVar aggregate classification (germline): Uncertain significance (0 of 4 stars; one submission).

Conditions:
TBC1D7-related disorder. Also called: TBC1D7-related condition.

gnomAD v4.1: 20 of 1,613,360 alleles (0.0012%); highest among the groups gnomAD compares: Admixed American, 0.0017%; no homozygotes.

Submission:

PreventionGenetics, part of Exact Sciences
Classification: Uncertain significance for TBC1D7-related condition. Last evaluated: 2024-08-28. Review status: no assertion criteria provided. Collection method: clinical testing. Allele origin: germline.
Comment: The TBC1D7 c.221A>G variant is predicted to result in the amino acid substitution p.His74Arg. To our knowledge, this variant has not been reported in the literature. This variant is reported in 0.00088% of alleles in individuals of European (Non-Finnish) descent in gnomAD. At this time, the clinical significance of this variant is uncertain due to the absence of conclusive functional and genetic evidence.